The following is an entry in ClinVar:

ClinVar aggregate classification (germline): Uncertain significance. Review status: criteria provided, multiple submitters, no conflicts (2 of 4 stars). 2 submissions from 2 submitters: Uncertain significance (2). Last evaluated 2025-11-24.

Conditions:
Inborn genetic diseases. Identifiers: MedGen C0950123, MeSH D030342.

Allele frequency attached by ClinVar (database versions not stated): gnomAD exomes below 0.00001.
gnomAD v4.1: 5 of 1,613,896 alleles (0.00031%); highest among the groups gnomAD compares: Non-Finnish European, 0.00042%; no homozygotes.

Submissions (2):

Ambry Genetics
Classification: Uncertain significance for Inborn genetic diseases. Last evaluated: 2025-11-24. Review status: criteria provided, single submitter. Criteria: Ambry Variant Classification Scheme 2023. Collection method: clinical testing. Allele origin: germline.

Labcorp Genetics (formerly Invitae), Labcorp
Classification: Uncertain significance. Last evaluated: 2024-02-17. Review status: criteria provided, single submitter. Criteria: Invitae Variant Classification Sherloc (09022015). Collection method: clinical testing. Allele origin: germline.
Comment: This sequence change replaces glutamic acid, which is acidic and polar, with lysine, which is basic and polar, at codon 756 of the KIAA1549 protein (p.Glu756Lys). This variant is not present in population databases (gnomAD no frequency). This variant has not been reported in the literature in individuals affected with KIAA1549-related conditions. ClinVar contains an entry for this variant (Variation ID: 2000180). An algorithm developed to predict the effect of missense changes on protein structure and function (PolyPhen-2) suggests that this variant is likely to be disruptive. In summary, the available evidence is currently insufficient to determine the role of this variant in disease. Therefore, it has been classified as a Variant of Uncertain Significance.

NM_001164665.2(KIAA1549):c.2266G>A (p.Glu756Lys)

Gene: KIAA1549 (KIAA1549; minus strand). Cytogenetic location: 7q34.
Variant type: single nucleotide variant.
Coding change: c.2266G>A on transcript NM_001164665.2 (MANE Select); coding-DNA position 2266, G replaced by A.
Protein change: p.Glu756Lys; replaces glutamic acid 756 with lysine.
Molecular consequence: missense variant.
Genome position (GRCh38, 1-based): chr7:138,917,360, C>T on the plus strand (G>A on the coding strand, the complement: KIAA1549 is on the minus strand). VCF-style: chr7-138917360-C-T. GRCh37 (hg19) VCF-style: chr7-138602106-C-T.
Other names: c.2266G>A, p.Glu756Lys (NM_020910.3); c.2266G>A (NM_001164665.1); short protein forms E756K.
Identifiers: ClinVar variation 2000180 (VCV002000180.5), dbSNP rs1812363602, ClinGen allele CA369393410.